The following continues an entry in ClinVar:

NM_000197.2(HSD17B3):c.277+4A>T

ClinVar aggregate classification (germline): Pathogenic. Pathogenic (17).

Submissions 13 to 20 of 20:

Fulgent Genetics
Classification: Pathogenic for Testosterone 17-beta-dehydrogenase deficiency. Last evaluated: 2022-01-03. Review status: criteria provided, single submitter. Criteria: ACMG Guidelines, 2015. Collection method: clinical testing. Allele origin: unknown.

Genetic Services Laboratory, University of Chicago
Classification: Pathogenic. Last evaluated: 2020-06-19. Review status: criteria provided, single submitter. Criteria: ACMG Guidelines, 2015. Collection method: clinical testing. Allele origin: germline. Affected: yes.
Comment: This sequence change is in the canonical splice donor site of intron 3, c.277+4A>T. This sequence change has been described in the gnomAD database with a population frequency of 0.068% in the non-Finnish European subpopulation (dbSNP rs201115371). This sequence change has previously been described in both homozygous and compound heterozygous states in multiple patients with 17 Beta-hydroxysteroid dehydrogenase 3 deficiency (PMIDs: 27951541, 25740850, 8550739, 10599740). RNA studies have shown that this variant affects normal splicing and results in reduced levels of HSD17B3 transcripts with deletion of exon 3 (PMID: 10599740). These collective evidences indicate that this sequence change is pathogenic.

Illumina Laboratory Services, Illumina
Classification: Pathogenic for Testosterone 17-beta-dehydrogenase deficiency. Last evaluated: 2018-09-07. Review status: criteria provided, single submitter. Criteria: ICSL Variant Classification Criteria 09 May 2019. Collection method: clinical testing. Allele origin: germline.
Comment: Across a selection of the available literature, the HSD17B3 c.277+4A>T variant has been identified in a homozygous state in at least nine probands and in a compound heterozygous state in eleven probands (Andersson et al. 1996; Boehmer et al. 1999; Mains et al. 2008; Castro et al. 2012). Additionally, Boehmer et al. (1999) performed transcript analysis of a homozygous patient that showed the c.277+4A>T variant results in skipping of exon three of HSD17B3. The c.277+4A>T variant was absent from 200 control subjects and is reported at a frequency of 0.000703 in the European (non-Finnish) population of the Genome Aggregation Database. Based on the evidence, the c.277+4A>T variant is classified as pathogenic for 17-beta-hydroxysteroid dehydrogenase III deficiency. This variant was observed by ICSL as part of a predisposition screen in an ostensibly healthy population.

Center for Pediatric Genomic Medicine, Children's Mercy Hospital and Clinics
Classification: Pathogenic. Last evaluated: 2017-10-05. Review status: criteria provided, single submitter. Criteria: ACMG Guidelines, 2015. Collection method: clinical testing. Allele origin: germline.

Laboratory for Molecular Medicine, Mass General Brigham Personalized Medicine
Classification: Pathogenic for Testosterone 17-beta-dehydrogenase deficiency. Last evaluated: 2014-12-24. Review status: criteria provided, single submitter. Criteria: LMM Criteria. Collection method: clinical testing. Allele origin: germline. Inheritance: Autosomal recessive inheritance. Observed: 3 variant alleles.
Comment: The c.277+4A>T variant in HSD17B3 has been reported in 12 patients with male pse udohermaphroditism (4 homozygotes and 8 compound heterozygotes) and segregated w ith disease in 2 affected relatives (Boehmer 1999, Castro 2012). This variant is located in the 5' splice region. Studies on RNA isolated from patients demonstr ated that the c.277+4A>T variant leads to impaired splicing and reduced HSD17B3 transcript levels (Boehmer 1999). This variant has also been identified 0.04% (4 5/116,062) of chromosomes by the Exome Aggregation Consortium (ExAC .; dbSNP 201115371). Although this variant has been seen in th e general population, its frequency is low enough to be consistent with a recess ive carrier frequency. In summary, the c.277+4A>T variant meets our criteria to be classified as pathogenic for 17 beta-hydroxysteroid dehydrogenase 3 deficienc y in an autosomal recessive manner based upon its identification and segregation in affected individuals, low frequency in controls, and functional evidence.

Clinical Molecular Genetics Laboratory, Johns Hopkins All Children's Hospital
Classification: Pathogenic for Pseudohermaphroditism. Last evaluated: 2015-07-31. Review status: no assertion criteria provided. Collection method: clinical testing. Allele origin: germline. Affected: yes. Not counted in ClinVar's aggregate classification.

Dr. Peter K. Rogan Lab, Western University
No classification provided (evidence only). Condition: Malignant tumor of esophagus. Review status: no classification provided. Collection method: in vitro. Allele origin: not applicable. Functional consequence: retained intron. Not counted in ClinVar's aggregate classification.

Dr. Peter K. Rogan Lab, Western University
No classification provided (evidence only). Condition: Ovarian cancer. Review status: no classification provided. Collection method: in vitro. Allele origin: not applicable. Functional consequence: skipped exon. Not counted in ClinVar's aggregate classification.

Literature cited by the submitters: PubMed 23295294 (cited by 4 submitters); PubMed 10599740 (cited by 7 submitters); PubMed 8550739 (cited by 3 submitters); PubMed 30668521 (cited by 3 submitters); PubMed 25740850 (cited by 3 submitters); PubMed 32297288 (cited by Labcorp Genetics (formerly Invitae), Labcorp and Variantyx, Inc.); PubMed 17576681 (cited by Labcorp Genetics (formerly Invitae), Labcorp); PubMed 9536098 (cited by Labcorp Genetics (formerly Invitae), Labcorp); PubMed 37855374 (cited by Variantyx, Inc.); PubMed 29176693 (cited by Variantyx, Inc.); PubMed 35432193 (cited by Variantyx, Inc.); PubMed 36606580 (cited by Variantyx, Inc.); PubMed 25525159 (cited by Ambry Genetics); PubMed 17509588 (cited by Illumina Laboratory Services, Illumina).